The following is an entry in ClinVar:

NM_001042492.3(NF1):c.4925T>C (p.Val1642Ala)

Gene: NF1 (neurofibromin 1; plus strand). Cytogenetic location: 17q11.2.
Variant type: single nucleotide variant.
Coding change: c.4925T>C on transcript NM_001042492.3 (MANE Select); coding-DNA position 4925, T replaced by C.
Protein change: p.Val1642Ala; replaces valine 1642 with alanine.
Molecular consequence: missense variant.
Genome position (GRCh38, 1-based): chr17:31,325,909, T>C. VCF-style: chr17-31325909-T-C. GRCh37 (hg19) VCF-style: chr17-29652927-T-C.
Other names: c.4862T>C, p.Val1621Ala (NM_000267.4); short protein forms V1621A, V1642A.
Identifiers: ClinVar variation 5025574 (VCV005025574.1).
Genomic context (GRCh38, chr17:31,325,909, plus strand): 5'-TGCTGATATACCATGTCTTACTGACTTTAAAGCCATATTATGCAAAGCCATATGAAATTG[T>C]AGTGGACCTTACCCATACCGGGCCTAGCAATCGCTTTAAAACAGACTTTCTCTCTAAGTG-3'
Protein context (NP_001035957.1, residues 1632-1652): KPYYAKPYEI[Val1642Ala]VDLTHTGPSN

ClinVar aggregate classification (germline): Uncertain significance (1 of 4 stars; one submission).

Conditions:
Cardiovascular phenotype. Identifiers: MedGen CN230736.
Hereditary cancer-predisposing syndrome. Also called: Neoplastic Syndromes, Hereditary; Tumor predisposition; Hereditary neoplastic syndrome; Hereditary Cancer Syndrome. Identifiers: Orphanet 140162, MedGen C0027672, MeSH D009386, MONDO:0015356.

Submission:

Ambry Genetics
Classification: Uncertain significance for Cardiovascular phenotype; Hereditary cancer-predisposing syndrome. Last evaluated: 2026-07-18. Review status: criteria provided, single submitter. Criteria: Ambry Variant Classification Scheme 2023. Collection method: clinical testing. Allele origin: germline.
Comment: The p.V1621A variant (also known as c.4862T>C), located in coding exon 36 of the NF1 gene, results from a T to C substitution at nucleotide position 4862. The valine at codon 1621 is replaced by alanine, an amino acid with similar properties. This amino acid position is conserved. In addition, this alteration is predicted to be deleterious by in silico analysis. Based on the available evidence, the clinical significance of this variant remains unclear.